The following is an entry in ClinVar:

NM_000051.4(ATM):c.6253G>T (p.Asp2085Tyr)

Genes: ATM (ATM serine/threonine kinase; plus strand), C11orf65 (chromosome 11 open reading frame 65; minus strand). Cytogenetic location: 11q22.3.
Variant type: single nucleotide variant.
Coding change: c.6253G>T on transcript NM_000051.4 (MANE Select); coding-DNA position 6253, G replaced by T.
Protein change: p.Asp2085Tyr; replaces aspartic acid 2085 with tyrosine.
Molecular consequence: missense variant. On other transcripts: intron variant (2).
Genome position (GRCh38, 1-based): chr11:108,317,427, G>T. VCF-style: chr11-108317427-G-T. GRCh37 (hg19) VCF-style: chr11-108188154-G-T.
Other names: p.D2085Y:GAT>TAT; c.6253G>T, p.Asp2085Tyr (NM_001351834.2); c.641-8356C>A (NM_001330368.2); c.*39-8356C>A (NM_001351110.2); short protein forms D2085Y.
Identifiers: ClinVar variation 181976 (VCV000181976.10), dbSNP rs730881379, ClinGen allele CA298302.

ClinVar aggregate classification (germline): Uncertain significance. Review status: criteria provided, multiple submitters, no conflicts (2 of 4 stars). 3 submissions from 3 submitters: Uncertain significance (3). Last evaluated 2024-12-02.

Conditions:
Hereditary cancer-predisposing syndrome. Also called: Hereditary Cancer Syndrome; Tumor predisposition; Neoplastic Syndromes, Hereditary; Hereditary neoplastic syndrome. Identifiers: Orphanet 140162, MedGen C0027672, MeSH D009386, MONDO:0015356.
Ataxia-telangiectasia syndrome (AT). Also called: ATAXIA-TELANGIECTASIA, COMPLEMENTATION GROUP A; ATAXIA-TELANGIECTASIA, FRESNO VARIANT; Ataxia-telangiectasia; Ataxia-telangiectasia, complementation group E; Cerebello-oculocutaneous telangiectasia; Immunodeficiency with ataxia telangiectasia. Identifiers: Orphanet 100, MedGen C0004135, MONDO:0008840, OMIM 208900.

Submissions (3):

Labcorp Genetics (formerly Invitae), Labcorp
Classification: Uncertain significance for Ataxia-telangiectasia syndrome. Last evaluated: 2024-12-02. Review status: criteria provided, single submitter. Criteria: Invitae Variant Classification Sherloc (09022015). Collection method: clinical testing. Allele origin: germline.
Comment: This sequence change replaces aspartic acid, which is acidic and polar, with tyrosine, which is neutral and polar, at codon 2085 of the ATM protein (p.Asp2085Tyr). This variant is not present in population databases (gnomAD no frequency). This variant has not been reported in the literature in individuals affected with ATM-related conditions. ClinVar contains an entry for this variant (Variation ID: 181976). Invitae Evidence Modeling of protein sequence and biophysical properties (such as structural, functional, and spatial information, amino acid conservation, physicochemical variation, residue mobility, and thermodynamic stability) indicates that this missense variant is not expected to disrupt ATM protein function with a negative predictive value of 95%. In summary, the available evidence is currently insufficient to determine the role of this variant in disease. Therefore, it has been classified as a Variant of Uncertain Significance.

Color Diagnostics, LLC DBA Color Health
Classification: Uncertain significance for Hereditary cancer-predisposing syndrome. Last evaluated: 2023-12-05. Review status: criteria provided, single submitter. Criteria: ACMG Guidelines, 2015. Collection method: clinical testing. Allele origin: germline.
Comment: This missense variant replaces aspartic acid with tyrosine at codon 2085 of the ATM protein. Computational prediction suggests that this variant may not impact protein structure and function (internally defined REVEL score threshold <= 0.5, PMID: 27666373). To our knowledge, functional studies have not been reported for this variant. This variant has not been reported in individuals affected with ATM-related disorders in the literature. This variant has not been identified in the general population by the Genome Aggregation Database (gnomAD). The available evidence is insufficient to determine the role of this variant in disease conclusively. Therefore, this variant is classified as a Variant of Uncertain Significance.

GeneDx
Classification: Uncertain significance. Last evaluated: 2014-08-05. Review status: criteria provided, single submitter. Criteria: GeneDx Variant Classification (06012015). Collection method: clinical testing. Allele origin: germline. Affected: yes.
Comment: This variant is denoted ATM c.6253G>T at the cDNA level, p.Asp2085Tyr (D2085Y) at the protein level, and results in the change of an Aspartic Acid to a Tyrosine (GAT>TAT). This variant has not, to our knowledge, been published in the literature as pathogenic or benign. ATM Asp2085Tyr was not observed in approximately 6,500 individuals of European and African American ancestry in the NHLBI Exome Sequencing Project, indicating it is not a common benign variant in these populations. Since Aspartic Acid and Tyrosine differ in polarity, charge, size or other properties, this is considered a non-conservative amino acid substitution. ATM Asp2085Tyr occurs at a position that is well conserved through mammals and is located in the FAT domain (UniProt, Stracker 2013). In silico analyses predict that this variant is probably damaging to protein structure and function. Based on currently available information, it is unclear whether ATM Asp2085Tyr is pathogenic or benign. We consider it to be a variant of uncertain significance.